The following is an entry in ClinVar:

ClinVar aggregate classification (germline): Uncertain significance. Review status: criteria provided, multiple submitters, no conflicts (2 of 4 stars). 2 submissions from 2 submitters: Uncertain significance (2). Last evaluated 2025-06-09.

Conditions:
Inborn genetic diseases. Identifiers: MedGen C0950123, MeSH D030342.

Allele frequency attached by ClinVar (database versions not stated): ESP Exome Variant Server 0.00008; gnomAD exomes 0.00001; gnomAD 0.00002 and 0.00003.
gnomAD v4.1: 12 of 1,575,986 alleles (0.00076%); highest among the groups gnomAD compares: East Asian, 0.0045%; no homozygotes.

Submissions (2):

Ambry Genetics
Classification: Uncertain significance for Inborn genetic diseases. Last evaluated: 2025-06-09. Review status: criteria provided, single submitter. Criteria: Ambry Variant Classification Scheme 2023. Collection method: clinical testing. Allele origin: germline.

Labcorp Genetics (formerly Invitae), Labcorp
Classification: Uncertain significance. Last evaluated: 2021-08-14. Review status: criteria provided, single submitter. Criteria: Invitae Variant Classification Sherloc (09022015). Collection method: clinical testing. Allele origin: germline.
Comment: This sequence change replaces arginine with histidine at codon 472 of the SKIV2L protein (p.Arg472His). The arginine residue is weakly conserved and there is a small physicochemical difference between arginine and histidine. This variant is not present in population databases (ExAC no frequency). This variant has not been reported in the literature in individuals affected with SKIV2L-related conditions. Algorithms developed to predict the effect of missense changes on protein structure and function are either unavailable or do not agree on the potential impact of this missense change (SIFT: "Deleterious"; PolyPhen-2: "Possibly Damaging"; Align-GVGD: "Class C0"). In summary, the available evidence is currently insufficient to determine the role of this variant in disease. Therefore, it has been classified as a Variant of Uncertain Significance.

NM_006929.5(SKIC2):c.1415G>A (p.Arg472His)

Gene: SKIC2 (SKI2 subunit of superkiller complex; plus strand). Cytogenetic location: 6p21.33.
Variant type: single nucleotide variant.
Coding change: c.1415G>A on transcript NM_006929.5 (MANE Select); coding-DNA position 1415, G replaced by A.
Protein change: p.Arg472His; replaces arginine 472 with histidine.
Molecular consequence: missense variant.
Genome position (GRCh38, 1-based): chr6:31,963,424, G>A. VCF-style: chr6-31963424-G-A. GRCh37 (hg19) VCF-style: chr6-31931201-G-A.
Other names: c.1415G>A (NM_006929.4); short protein forms R472H.
Identifiers: ClinVar variation 1505410 (VCV001505410.6), dbSNP rs144001502, ClinGen allele CA136908658.